The following is an entry in ClinVar:

NC_000016.9:g.(89807275_89809207)_(89851373_89857810)del

Genes: FANCA (FA complementation group A; minus strand), ZNF276 (zinc finger protein 276; plus strand). Cytogenetic location: 16q24.3.
Variant type: Deletion.
Identifiers: ClinVar variation 3366395 (VCV003366395.1).

ClinVar aggregate classification (germline): Pathogenic (1 of 4 stars; one submission).

Conditions:
Fanconi anemia (FA). Also called: Fanconi's anemia. Identifiers: Orphanet 84, MedGen C0015625, MeSH D005199, MONDO:0019391.

Submission:

Women's Health and Genetics/Laboratory Corporation of America, LabCorp
Classification: Pathogenic for Fanconi anemia. Last evaluated: 2024-08-08. Review status: criteria provided, single submitter. Criteria: LabCorp Variant Classification Summary - May 2015. Collection method: clinical testing. Allele origin: germline.
Comment: Variant summary: The variant involves the deletion of exons 15-37 in the FANCA gene. A presumed nomenclature of c.(1359+1_1360-1)_(3765+1_3766-1)del has been designated for the purposes of this classification. This Copy Number Variant (CNV) is predicted to result in an in-frame deletion within this gene. The variant was absent in 20746 control chromosomes. To our knowledge, no occurrence of c.(1359+1_1360-1)_(3765+1_3766-1)del in individuals affected with Fanconi Anemia and no experimental evidence demonstrating its impact on protein function have been reported. At least 1 missense variant in the overlapping deleted region (p.Arg880Gln; Variation ID: 555460) has been classified as pathogenic by our laboratory, suggesting that loss of these exons is deleterious. No submitters have cited clinical-significance assessments for this variant to ClinVar. Based on the evidence outlined above, the variant was classified as pathogenic.